The following is an entry in ClinVar:

ClinVar aggregate classification (germline): Conflicting classifications of pathogenicity. Review status: criteria provided, conflicting classifications (1 of 4 stars). 2 submissions from 2 submitters: Uncertain significance (1); Likely benign (1). Last evaluated 2025-09-03.

Conditions:
Inborn genetic diseases. Identifiers: MedGen C0950123, MeSH D030342.
Microphthalmia, syndromic 12 (MCOPS12). Also called: MICROPHTHALMIA WITH OR WITHOUT PULMONARY HYPOPLASIA, DIAPHRAGMATIC HERNIA, AND/OR CARDIAC DEFECTS. Identifiers: Orphanet 2470, Orphanet 689829, MedGen C3809803, MONDO:0014229, OMIM 615524.

Allele frequency attached by ClinVar (database versions not stated): TOPMed 0.00013; ExAC 0.00001.
gnomAD v4.1: 28 of 1,613,348 alleles (0.0017%); highest among the groups gnomAD compares: Admixed American, 0.028%; no homozygotes.

Submissions (2):

Labcorp Genetics (formerly Invitae), Labcorp
Classification: Uncertain significance for Microphthalmia, syndromic 12. Last evaluated: 2025-09-03. Review status: criteria provided, single submitter. Criteria: Invitae Variant Classification Sherloc (09022015). Collection method: clinical testing. Allele origin: germline.
Comment: This sequence change replaces threonine, which is neutral and polar, with serine, which is neutral and polar, at codon 417 of the RARB protein (p.Thr417Ser). This variant is present in population databases (rs551369280, gnomAD 0.009%). This variant has not been reported in the literature in individuals affected with RARB-related conditions. ClinVar contains an entry for this variant (Variation ID: 2721928). An algorithm developed to predict the effect of missense changes on protein structure and function (PolyPhen-2) suggests that this variant is likely to be tolerated. In summary, the available evidence is currently insufficient to determine the role of this variant in disease. Therefore, it has been classified as a Variant of Uncertain Significance.

Ambry Genetics
Classification: Likely benign for Inborn genetic diseases. Last evaluated: 2023-12-22. Review status: criteria provided, single submitter. Criteria: Ambry Variant Classification Scheme 2023. Collection method: clinical testing. Allele origin: germline.

NM_000965.5(RARB):c.1250C>G (p.Thr417Ser)

Gene: RARB (retinoic acid receptor beta; plus strand). Cytogenetic location: 3p24.2.
Variant type: single nucleotide variant.
Coding change: c.1250C>G on transcript NM_000965.5 (MANE Select); coding-DNA position 1250, C replaced by G.
Protein change: p.Thr417Ser; replaces threonine 417 with serine.
Molecular consequence: missense variant. On other transcripts: non-coding transcript variant (2).
Genome position (GRCh38, 1-based): chr3:25,596,519, C>G. VCF-style: chr3-25596519-C-G. GRCh37 (hg19) VCF-style: chr3-25638010-C-G.
Other names: c.914C>G, p.Thr305Ser (NM_001290276.2, NM_016152.4, NM_001290217.2); c.1112C>G, p.Thr371Ser (NM_001290277.1); c.1121C>G, p.Thr374Ser (NM_001290300.2); c.1250C>G (NM_000965.3); c.1271C>G, p.Thr424Ser (NM_001290216.3); c.1103C>G, p.Thr368Ser (NM_001290266.2); short protein forms T368S, T417S, T371S, T424S, T305S, T374S.
Identifiers: ClinVar variation 2721928 (VCV002721928.4), dbSNP rs551369280, ClinGen allele CA2287899.